The following is an entry in ClinVar:

ClinVar aggregate classification (germline): Pathogenic. Review status: reviewed by expert panel (3 of 4 stars). 4 submissions from 4 submitters: Pathogenic (1). 3 of the submissions do not count toward it. Last evaluated 2016-10-18.

Conditions:
Hereditary breast ovarian cancer syndrome. Also called: Hereditary breast and ovarian cancer syndrome (HBOC); Breast and ovarian cancer; Hereditary breast and ovarian cancer syndrome; Hereditary breast and ovarian cancer; BRCA1- and BRCA2-Associated Hereditary Breast and Ovarian Cancer; Hereditary breast and/or ovarian cancer syndrome. Identifiers: Orphanet 145, MedGen C0677776, MeSH D061325, MONDO:0003582. Disease mechanism: loss of function.
Breast-ovarian cancer, familial, susceptibility to, 1 (BROVCA1). Also called: BRCA1 Hereditary Breast and Ovarian Cancer; OVARIAN CANCER, SUSCEPTIBILITY TO. Identifiers: Orphanet 145, MedGen C2676676, MONDO:0011450, OMIM 604370. Disease mechanism: loss of function.

Submissions (4):

Evidence-based Network for the Interpretation of Germline Mutant Alleles (ENIGMA)
Classification: Pathogenic for Breast-ovarian cancer, familial, susceptibility to, 1. Last evaluated: 2016-10-18. Review status: reviewed by expert panel. Criteria: ENIGMA BRCA1/2 Classification Criteria (2015). Collection method: curation. Allele origin: germline.
Comment: Variant allele predicted to encode a truncated non-functional protein.

Labcorp Genetics (formerly Invitae), Labcorp
Classification: Pathogenic for Hereditary breast ovarian cancer syndrome. Last evaluated: 2018-09-19. Review status: criteria provided, single submitter. Criteria: Invitae Variant Classification Sherloc (09022015). Collection method: clinical testing. Allele origin: germline. Not counted in ClinVar's aggregate classification.
Comment: This sequence change creates a premature translational stop signal (p.Leu1679*) in the BRCA1 gene. It is expected to result in an absent or disrupted protein product. This variant is not present in population databases (ExAC no frequency). This variant has been observed in families with increased risk of breast and/or ovarian cancer (PMID: 29446198). ClinVar contains an entry for this variant (Variation ID: 266515). Loss-of-function variants in BRCA1 are known to be pathogenic (PMID: 20104584). For these reasons, this variant has been classified as Pathogenic.

Consortium of Investigators of Modifiers of BRCA1/2 (CIMBA), c/o University of Cambridge
Classification: Pathogenic for Breast-ovarian cancer, familial, susceptibility to, 1. Last evaluated: 2015-10-02. Review status: criteria provided, single submitter. Criteria: CIMBA Mutation Classification guidelines May 2016. Collection method: clinical testing. Allele origin: germline. Not counted in ClinVar's aggregate classification.

BRCAlab, Lund University
Classification: Pathogenic for Breast-ovarian cancer, familial, susceptibility to, 1. Last evaluated: 2020-03-02. Review status: no assertion criteria provided. Collection method: clinical testing. Allele origin: germline. Affected: yes. Not counted in ClinVar's aggregate classification.

Literature cited by the submitters: PubMed 29446198 (cited by Labcorp Genetics (formerly Invitae), Labcorp); PubMed 20104584 (cited by Labcorp Genetics (formerly Invitae), Labcorp).

NM_007294.4(BRCA1):c.5030_5033dup (p.Asn1678_Leu1679insTer)

Gene: BRCA1 (BRCA1 DNA repair associated; minus strand). Cytogenetic location: 17q21.31.
Variant type: Duplication.
Coding change: c.5030_5033dup on transcript NM_007294.4 (MANE Select); coding-DNA positions 5030 to 5033, 4 bases duplicated (CTAA; older notation c.5030_5033dupCTAA).
Protein change: p.Asn1678_Leu1679insTer.
Molecular consequence: nonsense, inframe insertion. On other transcripts: frameshift variant (366), non-coding transcript variant (1).
Genome position (GRCh38, 1-based): chr17:43,067,649-43,067,652, TTAG duplicated on the plus strand (CTAA on the coding strand, the reverse complement: BRCA1 is on the minus strand); duplicating any 4 consecutive bases within chr17:43,067,649-43,067,655 gives the same sequence; the c. name uses the placement nearest the transcript's 3' end. VCF-style (leftmost placement, unchanged base first): chr17-43067648-A-ATTAG. GRCh37 (hg19) VCF-style: chr17-41219665-A-ATTAG.
Other names: 5145insTAAC Leu1679ter; c.5030_5033dup, p.Leu1679_Ile1680insTer (NM_007294.3); c.5030_5033dupCTAA (NM_007294.3); c.1514_1517dup, p.Leu508Terfs (NM_001408476.1, NM_001408475.1); c.1508_1511dup, p.Leu506Terfs (NM_001408478.1, NM_001408479.1, NM_001408480.1); c.1505_1508dup, p.Leu505Terfs (NM_001408481.1, NM_001408482.1, NM_001408483.1 and 5 more transcripts); c.1502_1505dup, p.Leu504Terfs (NM_001408492.1, NM_001408493.1); c.1478_1481dup, p.Leu496Terfs (NM_001408494.1); and 76 more.
Identifiers: ClinVar variation 266515 (VCV000266515.13), dbSNP rs80357580, ClinGen allele CA10589628.